The following is an entry in ClinVar:

ClinVar aggregate classification (germline): Uncertain significance. Review status: criteria provided, multiple submitters, no conflicts (2 of 4 stars). 3 submissions from 3 submitters: Uncertain significance (3). Last evaluated 2025-01-28.

Conditions:
FANCM-related disorder. Also called: FANCM-related condition.
Fanconi anemia (FA). Also called: Fanconi's anemia. Identifiers: Orphanet 84, MedGen C0015625, MeSH D005199, MONDO:0019391.

Allele frequency attached by ClinVar (database versions not stated): gnomAD exomes 0.00001 and 0.00003; gnomAD 0.00002; TOPMed 0.00002.
gnomAD v4.1: 39 of 1,613,090 alleles (0.0024%); highest among the groups gnomAD compares: African/African-American, 0.004%; no homozygotes.

Submissions (3):

PreventionGenetics, part of Exact Sciences
Classification: Uncertain significance for FANCM-related condition. Last evaluated: 2025-01-28. Review status: criteria provided, single submitter. Criteria: ACMG Guidelines, 2015. Collection method: clinical testing. Allele origin: germline.
Comment: The FANCM c.3610C>T variant is predicted to result in the amino acid substitution p.Arg1204Cys. To our knowledge, this variant has not been reported in the literature. This variant is reported in 0.0026% of alleles in individuals of European (Non-Finnish) descent in gnomAD. At this time, the clinical significance of this variant is uncertain due to the absence of conclusive functional and genetic evidence.

Labcorp Genetics (formerly Invitae), Labcorp
Classification: Uncertain significance for Fanconi anemia. Last evaluated: 2024-11-21. Review status: criteria provided, single submitter. Criteria: Invitae Variant Classification Sherloc (09022015). Collection method: clinical testing. Allele origin: germline.
Comment: This sequence change replaces arginine, which is basic and polar, with cysteine, which is neutral and slightly polar, at codon 1204 of the FANCM protein (p.Arg1204Cys). This variant is present in population databases (rs763796272, gnomAD 0.003%). This variant has not been reported in the literature in individuals affected with FANCM-related conditions. ClinVar contains an entry for this variant (Variation ID: 963339). An algorithm developed to predict the effect of missense changes on protein structure and function (PolyPhen-2) suggests that this variant is likely to be tolerated. In summary, the available evidence is currently insufficient to determine the role of this variant in disease. Therefore, it has been classified as a Variant of Uncertain Significance.

GeneDx
Classification: Uncertain significance. Last evaluated: 2023-05-03. Review status: criteria provided, single submitter. Criteria: GeneDx Variant Classification Process June 2021. Collection method: clinical testing. Allele origin: germline. Affected: yes.
Comment: Not observed at significant frequency in large population cohorts (gnomAD); In silico analysis supports that this missense variant does not alter protein structure/function; Has not been previously published as pathogenic or benign to our knowledge

NM_020937.4(FANCM):c.3610C>T (p.Arg1204Cys)

Gene: FANCM (FA complementation group M; plus strand). Cytogenetic location: 14q21.2.
Variant type: single nucleotide variant.
Coding change: c.3610C>T on transcript NM_020937.4 (MANE Select); coding-DNA position 3610, C replaced by T.
Protein change: p.Arg1204Cys; replaces arginine 1204 with cysteine.
Molecular consequence: missense variant.
Genome position (GRCh38, 1-based): chr14:45,176,364, C>T. VCF-style: chr14-45176364-C-T. GRCh37 (hg19) VCF-style: chr14-45645567-C-T.
Other names: c.3610C>T (NM_020937.3); c.3532C>T, p.Arg1178Cys (NM_001308133.2); short protein forms R1204C, R1178C.
Identifiers: ClinVar variation 963339 (VCV000963339.13), dbSNP rs763796272, ClinGen allele CA259628402.